The following is an entry in ClinVar:

NM_000545.8(HNF1A):c.326+6_326+10dup

Gene: HNF1A (HNF1 homeobox A; plus strand). Cytogenetic location: 12q24.31.
Variant type: Duplication.
Coding change: c.326+6_326+10dup on transcript NM_000545.8 (MANE Select); bases 6 to 10 of the intron after coding-DNA position 326, 5 bases duplicated (GAGCC; older notation c.326+6_326+10dupGAGCC).
Molecular consequence: intron variant.
Genome position (GRCh38, 1-based): chr12:120,979,100-120,979,104, GAGCC duplicated. VCF-style (leftmost placement, unchanged base first): chr12-120979099-G-GGAGCC. GRCh37 (hg19) VCF-style: chr12-121416902-G-GGAGCC.
Other names: c.326+6_326+10dup (NM_001306179.2).
Identifiers: ClinVar variation 256599 (VCV000256599.20), dbSNP rs56158114, ClinGen allele CA6831710.
Genomic context (GRCh38, chr12:120,979,099, plus strand): 5'-AACCTCAGCCCTGAGGAGGCGGCCCACCAGAAAGCCGTGGTGGAGACCCTTCTGCAGTAA[G>GGAGCC]GAGCCCTGCCCCGTCCCCGCTCCCAGGAGAGCCTAGAGGGGCCCCCCTCAGCTCCTAACG-3'

ClinVar aggregate classification (germline): Benign/Likely benign. Review status: criteria provided, multiple submitters, no conflicts (2 of 4 stars). 11 submissions from 11 submitters: Benign (8); Likely benign (3). Last evaluated 2026-03-01.

Conditions:
Type 2 diabetes mellitus. Also called: Type II diabetes mellitus. Identifiers: MedGen C0011860, MeSH D003924, MONDO:0005148, OMIM 125853, HP:0005978.
Maturity-onset diabetes of the young type 3. Also called: MODY type 3; MODY, type III. Identifiers: Orphanet 552, MedGen C1838100, MeSH C563933, MONDO:0010894, OMIM 600496. Disease mechanism: loss of function.
Diabetes mellitus type 1 (T1D). Also called: Diabetes Mellitus, Juvenile-Onset; Type I diabetes mellitus. Identifiers: MedGen C0011854, MONDO:0005147, OMIM 222100, HP:0100651.
Hepatic adenomas, familial. Also called: LIVER CELL ADENOMAS, FAMILIAL; HEPATIC ADENOMA, SOMATIC. Identifiers: MedGen C1840646, MONDO:0007718, OMIM 142330.
Type 1 diabetes mellitus 20 (T1D20). Also called: Diabetes mellitus, insulin-dependent, 20. Identifiers: MedGen C2675866, MONDO:0012919, OMIM 612520.
Nonpapillary renal cell carcinoma. Identifiers: Orphanet 422526, MedGen CN074294, MONDO:0007763, OMIM 144700.
Maturity-onset diabetes of the young (MODY). Also called: Maturity onset diabetes mellitus in young. Identifiers: Orphanet 552, MedGen C0342276, MONDO:0018911, HP:0004904.

Allele frequency attached by ClinVar (database versions not stated): gnomAD exomes 0.00035 and 0.00086; ExAC 0.00139; 1000 Genomes Project 0.00359; 1000 Genomes Project 30x 0.00359; gnomAD 0.00389 and 0.00415; TOPMed 0.00422; ESP Exome Variant Server 0.00513.

Submissions (11):

CeGaT Center for Human Genetics Tuebingen
Classification: Likely benign. Last evaluated: 2026-03-01. Review status: criteria provided, single submitter. Criteria: CeGaT Center For Human Genetics Tuebingen Variant Classification Criteria Version 2. Collection method: clinical testing. Allele origin: germline. Affected: yes. Observed: 1 variant allele.
Comment: HNF1A: BS1

Labcorp Genetics (formerly Invitae), Labcorp
Classification: Benign. Last evaluated: 2025-12-15. Review status: criteria provided, single submitter. Criteria: Invitae Variant Classification Sherloc (09022015). Collection method: clinical testing. Allele origin: germline.

Blueprint Genetics
Classification: Likely benign. Last evaluated: 2024-11-14. Review status: criteria provided, single submitter. Criteria: ACMG Guidelines, 2015. Collection method: clinical testing. Allele origin: germline.

ARUP Laboratories, Molecular Genetics and Genomics, ARUP Laboratories
Classification: Benign. Last evaluated: 2023-09-21. Review status: criteria provided, single submitter. Criteria: ARUP Molecular Germline Variant Investigation Process 2024. Collection method: clinical testing. Allele origin: germline.

Fulgent Genetics
Classification: Likely benign for Type 2 diabetes mellitus; Hepatic adenomas, familial; Nonpapillary renal cell carcinoma; Diabetes mellitus type 1; Maturity-onset diabetes of the young type 3; Type 1 diabetes mellitus 20. Last evaluated: 2021-09-27. Review status: criteria provided, single submitter. Criteria: ACMG Guidelines, 2015. Collection method: clinical testing. Allele origin: unknown.

Genetic Services Laboratory, University of Chicago
Classification: Benign. Last evaluated: 2021-01-19. Review status: criteria provided, single submitter. Criteria: ACMG Guidelines, 2015. Collection method: clinical testing. Allele origin: germline. Affected: no.

Athena Diagnostics
Classification: Benign. Last evaluated: 2017-08-02. Review status: criteria provided, single submitter. Criteria: Athena Diagnostics Criteria. Collection method: clinical testing. Allele origin: germline.

GeneDx
Classification: Benign. Last evaluated: 2017-05-03. Review status: criteria provided, single submitter. Criteria: GeneDx Variant Classification Process June 2021. Collection method: clinical testing. Allele origin: germline. Affected: yes.
Comment: This variant is associated with the following publications: (PMID: 10690959)

Ambry Genetics
Classification: Benign for Maturity-onset diabetes of the young. Last evaluated: 2015-02-13. Review status: criteria provided, single submitter. Criteria: Ambry Variant Classification Scheme 2023. Collection method: clinical testing. Allele origin: germline.

Clinical Genomics, Uppaluri K&H Personalized Medicine Clinic
Classification: Benign for Maturity-onset diabetes of the young. Review status: criteria provided, single submitter. Criteria: K & H Uppaluri Personalized Medicine Clinic Variant Classification & Assertion Criteria_Updated V.1. Collection method: research. Allele origin: unknown. Inheritance: Autosomal dominant inheritance.
Comment: Mutations in HNF1A gene can predispose to MODY3. It is associated with both micro and macrovascular complications of diabetes, especially cardiovascular complications. Associated with glucosuria. May respond well to sulfonylureas. However, more evidence is required to confer the association of this particular variant rs56158114 with MODY3.

PreventionGenetics, part of Exact Sciences
Classification: Benign. Review status: criteria provided, single submitter. Criteria: ACMG Guidelines, 2015. Collection method: clinical testing. Allele origin: germline.

Literature cited by the submitters: PubMed 23348805 (cited by Athena Diagnostics); PubMed 10690959 (cited by Athena Diagnostics); PubMed 17573900 (cited by Athena Diagnostics); PubMed 31517624 (cited by Clinical Genomics, Uppaluri K&H Personalized Medicine Clinic); PubMed 32395877 (cited by Clinical Genomics, Uppaluri K&H Personalized Medicine Clinic); PubMed 35328643 (cited by Clinical Genomics, Uppaluri K&H Personalized Medicine Clinic); PubMed 35673428 (cited by Clinical Genomics, Uppaluri K&H Personalized Medicine Clinic).